The following is an entry in ClinVar:

NM_003036.4(SKI):c.736C>T (p.Gln246Ter)

Gene: SKI (SKI proto-oncogene; plus strand). Cytogenetic location: 1p36.33.
Variant type: single nucleotide variant.
Coding change: c.736C>T on transcript NM_003036.4 (MANE Select); coding-DNA position 736, C replaced by T.
Protein change: p.Gln246Ter; replaces glutamine 246 with a stop codon.
Molecular consequence: nonsense.
Genome position (GRCh38, 1-based): chr1:2,229,502, C>T. VCF-style: chr1-2229502-C-T. GRCh37 (hg19) VCF-style: chr1-2160941-C-T.
Other names: short protein forms Q246*.
Identifiers: ClinVar variation 424243 (VCV000424243.2), dbSNP rs1064796874, ClinGen allele CA16617071.

ClinVar aggregate classification (germline): Uncertain significance (1 of 4 stars; one submission).

Submission:

GeneDx
Classification: Uncertain significance. Last evaluated: 2017-03-13. Review status: criteria provided, single submitter. Criteria: GeneDx Variant Classification (06012015). Collection method: clinical testing. Allele origin: germline. Affected: yes.
Comment: The Q246X variant in the SKI gene has not been reported previously as a pathogenic variant nor as a benign variant, to our knowledge. This variant is predicted to cause loss of normal protein function either through protein truncation or nonsense-mediated mRNA decay. The Q246X variant is not observed in large population cohorts (Lek et al., 2016; 1000 Genomes Consortium et al., 2015; Exome Variant Server). We interpret Q246X as a variant of uncertain significance.